The following is an entry in ClinVar:

ClinVar aggregate classification (germline): Uncertain significance (1 of 4 stars; one submission).

Conditions:
Intellectual developmental disorder, autosomal dominant 1. Also called: MBD5 Haploinsufficiency; Intellectual disability, autosomal dominant 1. Identifiers: Orphanet 228402, MedGen C1969562, MONDO:0007974, OMIM 156200.

Submission:

Labcorp Genetics (formerly Invitae), Labcorp
Classification: Uncertain significance for Intellectual developmental disorder, autosomal dominant 1. Last evaluated: 2025-03-05. Review status: criteria provided, single submitter. Criteria: Invitae Variant Classification Sherloc (09022015). Collection method: clinical testing. Allele origin: germline.
Comment: This sequence change replaces proline, which is neutral and non-polar, with serine, which is neutral and polar, at codon 633 of the MBD5 protein (p.Pro633Ser). This variant is not present in population databases (gnomAD no frequency). This variant has not been reported in the literature in individuals affected with MBD5-related conditions. Invitae Evidence Modeling of protein sequence and biophysical properties (such as structural, functional, and spatial information, amino acid conservation, physicochemical variation, residue mobility, and thermodynamic stability) indicates that this missense variant is not expected to disrupt MBD5 protein function with a negative predictive value of 80%. In summary, the available evidence is currently insufficient to determine the role of this variant in disease. Therefore, it has been classified as a Variant of Uncertain Significance.

NM_001378120.1(MBD5):c.1897C>T (p.Pro633Ser)

Gene: MBD5 (methyl-CpG binding domain protein 5; plus strand). Cytogenetic location: 2q23.1.
Variant type: single nucleotide variant.
Coding change: c.1897C>T on transcript NM_001378120.1 (MANE Select); coding-DNA position 1897, C replaced by T.
Protein change: p.Pro633Ser; replaces proline 633 with serine.
Molecular consequence: missense variant.
Genome position (GRCh38, 1-based): chr2:148,469,840, C>T. VCF-style: chr2-148469840-C-T. GRCh37 (hg19) VCF-style: chr2-149227409-C-T.
Other names: c.1897C>T, p.Pro633Ser (NM_001438854.1, NM_001438855.1, NM_001438856.1 and 7 more transcripts); short protein forms P633S.
Identifiers: ClinVar variation 4744919 (VCV004744919.1).